The following is an entry in ClinVar:

ClinVar aggregate classification (germline): Conflicting classifications of pathogenicity. Review status: criteria provided, conflicting classifications (1 of 4 stars). 3 submissions from 3 submitters: Uncertain significance (1); Likely benign (1). 1 of the submissions does not count toward it. Last evaluated 2026-01-07.

Conditions:
ADAMTSL4-related disorder. Also called: ADAMTSL4-Related Disorders; ADAMTSL4-related condition.
Ectopia lentis 2, isolated, autosomal recessive (ECTOL2). Identifiers: Orphanet 1885, MedGen C3541474, MONDO:0009152, OMIM 225100.

Allele frequency attached by ClinVar (database versions not stated): ESP Exome Variant Server 0.00015; gnomAD exomes 0.00016; ExAC 0.00018; TOPMed 0.00014.
gnomAD v4.1: 141 of 1,603,056 alleles (0.0088%); highest among the groups gnomAD compares: Admixed American, 0.0086%; no homozygotes.

Submissions (3):

Labcorp Genetics (formerly Invitae), Labcorp
Classification: Likely benign. Last evaluated: 2026-01-07. Review status: criteria provided, single submitter. Criteria: Invitae Variant Classification Sherloc (09022015). Collection method: clinical testing. Allele origin: germline.

Illumina Laboratory Services, Illumina
Classification: Uncertain significance for Ectopia lentis 2, isolated, autosomal recessive. Last evaluated: 2018-01-13. Review status: criteria provided, single submitter. Criteria: ICSL Variant Classification Criteria 13 December 2019. Collection method: clinical testing. Allele origin: germline.

PreventionGenetics, part of Exact Sciences
Classification: Likely benign for ADAMTSL4-related condition. Last evaluated: 2024-06-05. Review status: no assertion criteria provided. Collection method: clinical testing. Allele origin: germline. Not counted in ClinVar's aggregate classification.
Comment: This variant is classified as likely benign based on ACMG/AMP sequence variant interpretation guidelines (Richards et al. 2015 PMID: 25741868, with internal and published modifications).

NM_019032.6(ADAMTSL4):c.2560-5C>T

Gene: ADAMTSL4 (ADAMTS like 4; plus strand). Cytogenetic location: 1q21.2.
Variant type: single nucleotide variant.
Coding change: c.2560-5C>T on transcript NM_019032.6 (MANE Select); 5 bases into the intron before coding-DNA position 2560, C replaced by T.
Molecular consequence: intron variant.
Genome position (GRCh38, 1-based): chr1:150,558,957, C>T. VCF-style: chr1-150558957-C-T. GRCh37 (hg19) VCF-style: chr1-150531433-C-T.
Other names: c.2560-5C>T (NM_019032.5, NM_001378596.1); c.2629-5C>T (NM_001288608.2); c.2443-5C>T (NM_001288607.2).
Identifiers: ClinVar variation 874456 (VCV000874456.12), dbSNP rs372471612, ClinGen allele CA1078766.